The following is an entry in ClinVar:

ClinVar aggregate classification (germline): Uncertain significance (1 of 4 stars; one submission).

Conditions:
Hereditary cancer-predisposing syndrome. Also called: Neoplastic Syndromes, Hereditary; Hereditary Cancer Syndrome; Hereditary neoplastic syndrome; Tumor predisposition. Identifiers: Orphanet 140162, MedGen C0027672, MeSH D009386, MONDO:0015356.

gnomAD v4.1: 1 of 1,613,804 alleles (0.000062%); highest among the groups gnomAD compares: South Asian, 0.0011%; no homozygotes.

Submission:

Ambry Genetics
Classification: Uncertain significance for Hereditary cancer-predisposing syndrome. Last evaluated: 2026-04-02. Review status: criteria provided, single submitter. Criteria: Ambry Variant Classification Scheme 2023. Collection method: clinical testing. Allele origin: germline.
Comment: The p.H207Y variant (also known as c.619C>T), located in coding exon 6 of the FANCC gene, results from a C to T substitution at nucleotide position 619. The histidine at codon 207 is replaced by tyrosine, an amino acid with similar properties. This amino acid position is conserved. In addition, the in silico prediction for this alteration is inconclusive. Based on the available evidence, the clinical significance of this variant remains unclear.

NM_000136.3(FANCC):c.619C>T (p.His207Tyr)

Genes: AOPEP (aminopeptidase O (putative); plus strand), FANCC (FA complementation group C; minus strand). Cytogenetic location: 9q22.32.
Variant type: single nucleotide variant.
Coding change: c.619C>T on transcript NM_000136.3 (MANE Select); coding-DNA position 619, C replaced by T.
Protein change: p.His207Tyr; replaces histidine 207 with tyrosine.
Molecular consequence: missense variant.
Genome position (GRCh38, 1-based): chr9:95,149,990, G>A on the plus strand (C>T on the coding strand, the complement: FANCC is on the minus strand). VCF-style: chr9-95149990-G-A. GRCh37 (hg19) VCF-style: chr9-97912272-G-A.
Other names: c.619C>T, p.His207Tyr (NM_001243743.2, NM_001243744.2); short protein forms H207Y.
Identifiers: ClinVar variation 4870943 (VCV004870943.1).